The following is an entry in ClinVar:

ClinVar aggregate classification (germline): Uncertain significance (1 of 4 stars; one submission).

gnomAD v4.1: 1 of 1,614,140 alleles (0.000062%); highest among the groups gnomAD compares: Non-Finnish European, 0.000085%; no homozygotes.

Submission:

Women's Health and Genetics/Laboratory Corporation of America, LabCorp
Classification: Uncertain significance. Last evaluated: 2024-08-28. Review status: criteria provided, single submitter. Criteria: LabCorp Variant Classification Summary - May 2015. Collection method: clinical testing. Allele origin: germline.
Comment: Variant summary: SRCAP c.575G>A (p.Arg192His) results in a non-conservative amino acid change located in the Helicase/SANT-associated domain of the encoded protein sequence. Five of five in-silico tools predict a damaging effect of the variant on protein function. The variant allele was found at a frequency of 4e-06 in 251482 control chromosomes. The available data on variant occurrences in the general population are insufficient to allow any conclusion about variant significance. To our knowledge, no occurrence of c.575G>A in individuals affected with Floating-Harbor Syndrome and no experimental evidence demonstrating its impact on protein function have been reported. No submitters have cited clinical-significance assessments for this variant to ClinVar. Based on the evidence outlined above, the variant was classified as uncertain significance.

NM_006662.3(SRCAP):c.575G>A (p.Arg192His)

Gene: SRCAP (Snf2 related CREBBP activator protein; plus strand). Cytogenetic location: 16p11.2.
Variant type: single nucleotide variant.
Coding change: c.575G>A on transcript NM_006662.3 (MANE Select); coding-DNA position 575, G replaced by A.
Protein change: p.Arg192His; replaces arginine 192 with histidine.
Molecular consequence: missense variant.
Genome position (GRCh38, 1-based): chr16:30,707,654, G>A. VCF-style: chr16-30707654-G-A. GRCh37 (hg19) VCF-style: chr16-30718975-G-A.
Other names: short protein forms R192H.
Identifiers: ClinVar variation 3366558 (VCV003366558.1).